The following is an entry in ClinVar:

ClinVar aggregate classification (germline): Pathogenic (1 of 4 stars; one submission).

Conditions:
Neurofibromatosis, type 1 (NF1). Also called: VON RECKLINGHAUSEN DISEASE; NEUROFIBROMATOSIS, TYPE I, SOMATIC; Neurofibromatosis, type I; Peripheral type neurofibromatosis. Identifiers: Orphanet 636, MedGen C0027831, MONDO:0018975, OMIM 162200. Disease mechanism: loss of function.

Submission:

Labcorp Genetics (formerly Invitae), Labcorp
Classification: Pathogenic for Neurofibromatosis, type 1. Last evaluated: 2023-01-20. Review status: criteria provided, single submitter. Criteria: Invitae Variant Classification Sherloc (09022015). Collection method: clinical testing. Allele origin: germline.
Comment: For these reasons, this variant has been classified as Pathogenic. This variant has not been reported in the literature in individuals affected with NF1-related conditions. This variant is not present in population databases (gnomAD no frequency). This sequence change creates a premature translational stop signal (p.Asn935Lysfs*4) in the NF1 gene. It is expected to result in an absent or disrupted protein product. Loss-of-function variants in NF1 are known to be pathogenic (PMID: 10712197, 23913538).

Literature cited by the submitters: PubMed 10712197; PubMed 23913538.

NM_001042492.3(NF1):c.2803_2804dup (p.Asn935fs)

Gene: NF1 (neurofibromin 1; plus strand). Cytogenetic location: 17q11.2.
Variant type: Duplication.
Coding change: c.2803_2804dup on transcript NM_001042492.3 (MANE Select); coding-DNA positions 2803 to 2804, 2 bases duplicated (AA; older notation c.2803_2804dupAA).
Protein change: p.Asn935fs; shifts the reading frame from asparagine 935.
Molecular consequence: frameshift variant.
Genome position (GRCh38, 1-based): chr17:31,229,418-31,229,419, AA duplicated. VCF-style (leftmost placement, unchanged base first): chr17-31229417-T-TAA. GRCh37 (hg19) VCF-style: chr17-29556435-T-TAA.
Other names: c.2803_2804dup, p.Asn935Lysfs (NM_000267.4); short protein forms N935fs.
Identifiers: ClinVar variation 2830397 (VCV002830397.3), dbSNP rs2508188960, ClinGen allele CA2739267359.